The following is an entry in ClinVar:

NM_003764.4(STX11):c.359C>G (p.Pro120Arg)

Gene: STX11 (syntaxin 11; plus strand). Cytogenetic location: 6q24.2.
Variant type: single nucleotide variant.
Coding change: c.359C>G on transcript NM_003764.4 (MANE Select); coding-DNA position 359, C replaced by G.
Protein change: p.Pro120Arg; replaces proline 120 with arginine.
Molecular consequence: missense variant.
Genome position (GRCh38, 1-based): chr6:144,186,986, C>G. VCF-style: chr6-144186986-C-G. GRCh37 (hg19) VCF-style: chr6-144508123-C-G.
Other names: short protein forms P120R.
Identifiers: ClinVar variation 1905923 (VCV001905923.5), dbSNP rs746418444, ClinGen allele CA4031686.

ClinVar aggregate classification (germline): Uncertain significance (1 of 4 stars; one submission).

Conditions:
Familial hemophagocytic lymphohistiocytosis 4 (FHL4). Also called: STX11-Related Familial Hemophagocytic Lymphohistiocytosis (STX11-fHLH). Identifiers: Orphanet 540, MedGen C1863728, MONDO:0011336, OMIM 603552.

Submission:

Labcorp Genetics (formerly Invitae), Labcorp
Classification: Uncertain significance for Familial hemophagocytic lymphohistiocytosis 4. Last evaluated: 2022-08-22. Review status: criteria provided, single submitter. Criteria: Invitae Variant Classification Sherloc (09022015). Collection method: clinical testing. Allele origin: germline.
Comment: This variant is present in population databases (rs746418444, gnomAD 0.0009%). This sequence change replaces proline, which is neutral and non-polar, with arginine, which is basic and polar, at codon 120 of the STX11 protein (p.Pro120Arg). This variant has not been reported in the literature in individuals affected with STX11-related conditions. In summary, the available evidence is currently insufficient to determine the role of this variant in disease. Therefore, it has been classified as a Variant of Uncertain Significance. Algorithms developed to predict the effect of missense changes on protein structure and function (SIFT, PolyPhen-2, Align-GVGD) all suggest that this variant is likely to be tolerated.